The following is an entry in ClinVar:

GRCh37/hg19 22q11.21(chr22:18889977-21463189)x3

Genes: AIFM3 (AIF family member 3; plus strand), ARVCF (ARVCF delta catenin family member; minus strand), C22orf39 (chromosome 22 open reading frame 39; minus strand), CDC45 (cell division cycle 45; plus strand), CLDN5 (claudin 5; minus strand) and 42 more. Cytogenetic location: 22q11.21.
Variant type: copy number gain.
Change: copy number 3 (three copies instead of two) of chr22:18,889,977-21,463,189 (2.57 Mb, GRCh37 coordinates, 1-based), cytogenetic band 22q11.21.
Identifiers: ClinVar variation 1180539 (VCV001180539.4).

ClinVar aggregate classification (germline): Pathogenic (1 of 4 stars; one submission).

Submission:

Illumina Laboratory Services, Illumina
Classification: Pathogenic. Last evaluated: 2019-04-19. Review status: criteria provided, single submitter. Criteria: ICSL CNVClassificationCriteria Jul2020Prior. Collection method: clinical testing. Allele origin: unknown.
Comment: This CNV is a 2.6 Mb duplication on chromosome 22 at 22q11.2 (seq[GRCh37]dup(22)(q11.2); chr22:g.18889977_21463189dup) which is inherited. This event encompasses 83 genes and is expected to result in a gain of chromosomal material from LCR22 A-D, which is the most common event observed in affected individuals. Similar gains have been reported in more than 50 probands (Ensenauer et al. 2003; Portnoi 2009; Pinchefsky et al. 2017; Woodward 2019). Incomplete penetrance is noted in families and inter and intrafamilial phenotypic variability is observed among patients. There is no reported association between duplication size, LCR region and clinical severity (Woodward 2019). Similar gains have been reported in at least seven controls in the developmental delay case cohort (Coe et al. 2014). Based on the collective evidence, this CNV is classified as pathogenic.

Literature cited by the submitters: PubMed 14526392; PubMed 19254783; PubMed 25217958; PubMed 29147671; PubMed 30614210.